The following is an entry in ClinVar:

ClinVar aggregate classification (germline): Likely benign. Review status: criteria provided, multiple submitters, no conflicts (2 of 4 stars). 4 submissions from 4 submitters: Likely benign (4). Last evaluated 2026-08-01.

Allele frequency attached by ClinVar (database versions not stated): gnomAD exomes 0.00114 and 0.00209; 1000 Genomes Project 0.00120; 1000 Genomes Project 30x 0.00125; gnomAD 0.00141 and 0.00143; TOPMed 0.00144; ExAC 0.00279.
gnomAD v4.1: 3,094 of 1,543,352 alleles (0.2%); highest among the groups gnomAD compares: Non-Finnish European, 0.25%; 10 homozygotes.

Submissions (4):

CeGaT Center for Human Genetics Tuebingen
Classification: Likely benign. Last evaluated: 2026-08-01. Review status: criteria provided, single submitter. Criteria: CeGaT Center For Human Genetics Tuebingen Variant Classification Criteria Version 2. Collection method: clinical testing. Allele origin: germline. Affected: yes. Observed: 4 variant alleles.
Comment: ZFHX4: BP4, BS1

Blueprint Genetics
Classification: Likely benign. Last evaluated: 2024-11-06. Review status: criteria provided, single submitter. Criteria: ACMG Guidelines, 2015. Collection method: clinical testing. Allele origin: germline.

Labcorp Genetics (formerly Invitae), Labcorp
Classification: Likely benign. Last evaluated: 2018-07-06. Review status: criteria provided, single submitter. Criteria: Invitae Variant Classification Sherloc (09022015). Collection method: clinical testing. Allele origin: germline.

Breakthrough Genomics
Classification: Likely benign. Review status: criteria provided, single submitter. Criteria: ACMG Guidelines, 2015. Collection method: not provided. Allele origin: germline. Inheritance: Autosomal dominant inheritance. Affected: yes.

NM_024721.5(ZFHX4):c.2591-3T>C

Gene: ZFHX4 (zinc finger homeobox 4; plus strand). Cytogenetic location: 8q21.13.
Variant type: single nucleotide variant.
Coding change: c.2591-3T>C on transcript NM_024721.5 (MANE Select); 3 bases into the intron before coding-DNA position 2591, T replaced by C.
Molecular consequence: intron variant.
Genome position (GRCh38, 1-based): chr8:76,707,543, T>C. VCF-style: chr8-76707543-T-C. GRCh37 (hg19) VCF-style: chr8-77619778-T-C.
Identifiers: ClinVar variation 782752 (VCV000782752.29), dbSNP rs201793372, ClinGen allele CA4787045.